The following is an entry in ClinVar:

ClinVar aggregate classification (germline): Uncertain significance (1 of 4 stars; one submission).

Submission:

Labcorp Genetics (formerly Invitae), Labcorp
Classification: Uncertain significance. Last evaluated: 2025-07-27. Review status: criteria provided, single submitter. Criteria: Invitae Variant Classification Sherloc (09022015). Collection method: clinical testing. Allele origin: germline.
Comment: This sequence change replaces alanine, which is neutral and non-polar, with glycine, which is neutral and non-polar, at codon 1288 of the CACNA1D protein (p.Ala1288Gly). This variant is not present in population databases (gnomAD no frequency). This variant has not been reported in the literature in individuals affected with CACNA1D-related conditions. Invitae Evidence Modeling of protein sequence and biophysical properties (such as structural, functional, and spatial information, amino acid conservation, physicochemical variation, residue mobility, and thermodynamic stability) indicates that this missense variant is not expected to disrupt CACNA1D protein function with a negative predictive value of 80%. In summary, the available evidence is currently insufficient to determine the role of this variant in disease. Therefore, it has been classified as a Variant of Uncertain Significance.

NM_001128840.3(CACNA1D):c.3803C>G (p.Ala1268Gly)

Gene: CACNA1D (calcium voltage-gated channel subunit alpha1 D; plus strand). Cytogenetic location: 3p21.1.
Variant type: single nucleotide variant.
Coding change: c.3803C>G on transcript NM_001128840.3 (MANE Select); coding-DNA position 3803, C replaced by G.
Protein change: p.Ala1268Gly; replaces alanine 1268 with glycine.
Molecular consequence: missense variant.
Genome position (GRCh38, 1-based): chr3:53,762,014, C>G. VCF-style: chr3-53762014-C-G. GRCh37 (hg19) VCF-style: chr3-53796041-C-G.
Other names: c.3863C>G, p.Ala1288Gly (NM_000720.4); c.3803C>G, p.Ala1268Gly (NM_001128839.3); short protein forms A1268G, A1288G.
Identifiers: ClinVar variation 4743329 (VCV004743329.1).